The following is an entry in ClinVar:

ClinVar aggregate classification (germline): Uncertain significance. Review status: criteria provided, multiple submitters, no conflicts (2 of 4 stars). 3 submissions from 3 submitters: Uncertain significance (3). Last evaluated 2026-07-22.

Conditions:
COL11A2-related disorder. Also called: COL11A2-related condition; COL11A2-related disorders.

Allele frequency attached by ClinVar (database versions not stated): gnomAD exomes below 0.00001; TOPMed below 0.00001; ExAC 0.00002.
gnomAD v4.1: 1 of 1,612,946 alleles (0.000062%); highest among the groups gnomAD compares: Non-Finnish European, 0.000085%; no homozygotes.

Submissions (3):

PreventionGenetics, part of Exact Sciences
Classification: Uncertain significance for COL11A2-related condition. Last evaluated: 2026-07-22. Review status: criteria provided, single submitter. Criteria: ACMG Guidelines, 2015. Collection method: clinical testing. Allele origin: germline.
Comment: The COL11A2 c.1811G>C variant is predicted to result in the amino acid substitution p.Gly604Ala. To our knowledge, this variant has not been reported in the literature. The p.Gly604 amino acid is located in the conserved Gly-Xaa-Yaa triple helical domain where substitutions of a glycine may disrupt protein folding, although pathogenicity has not been clearly established for all glycine substitutions across the region (amino acid residues 487-1500). This variant is reported in 0.00090% of alleles in individuals of European (Non-Finnish) descent in gnomAD. At this time, the clinical significance of this variant is uncertain due to the absence of conclusive functional and genetic evidence.

Women's Health and Genetics/Laboratory Corporation of America, LabCorp
Classification: Uncertain significance. Last evaluated: 2024-05-03. Review status: criteria provided, single submitter. Criteria: LabCorp Variant Classification Summary - May 2015. Collection method: clinical testing. Allele origin: germline.
Comment: Variant summary: COL11A2 c.1811G>C (p.Gly604Ala) results in a non-conservative amino acid change in the encoded protein sequence. Five of five in-silico tools predict a damaging effect of the variant on protein function. The variant allele was found at a frequency of 4.1e-06 in 246598 control chromosomes. The available data on variant occurrences in the general population are insufficient to allow any conclusion about variant significance. To our knowledge, no occurrence of c.1811G>C in individuals affected with COL11A2-Related Disorders and no experimental evidence demonstrating its impact on protein function have been reported. ClinVar contains an entry for this variant (Variation ID: 2002579). Based on the evidence outlined above, the variant was classified as uncertain significance.

Labcorp Genetics (formerly Invitae), Labcorp
Classification: Uncertain significance. Last evaluated: 2022-06-28. Review status: criteria provided, single submitter. Criteria: Invitae Variant Classification Sherloc (09022015). Collection method: clinical testing. Allele origin: germline.
Comment: This sequence change replaces glycine, which is neutral and non-polar, with alanine, which is neutral and non-polar, at codon 604 of the COL11A2 protein (p.Gly604Ala). This variant is present in population databases (rs758138134, gnomAD 0.0009%). This variant has not been reported in the literature in individuals affected with COL11A2-related conditions. Advanced modeling of protein sequence and biophysical properties (such as structural, functional, and spatial information, amino acid conservation, physicochemical variation, residue mobility, and thermodynamic stability) performed at Invitae indicates that this missense variant is expected to disrupt COL11A2 protein function. In summary, the available evidence is currently insufficient to determine the role of this variant in disease. Therefore, it has been classified as a Variant of Uncertain Significance.

NM_080680.3(COL11A2):c.1811G>C (p.Gly604Ala)

Gene: COL11A2 (collagen type XI alpha 2 chain; minus strand). Cytogenetic location: 6p21.32.
Variant type: single nucleotide variant.
Coding change: c.1811G>C on transcript NM_080680.3 (MANE Select); coding-DNA position 1811, G replaced by C.
Protein change: p.Gly604Ala; replaces glycine 604 with alanine.
Molecular consequence: missense variant.
Genome position (GRCh38, 1-based): chr6:33,178,315, C>G on the plus strand (G>C on the coding strand, the complement: COL11A2 is on the minus strand). VCF-style: chr6-33178315-C-G. GRCh37 (hg19) VCF-style: chr6-33146092-C-G.
Other names: c.1490G>C, p.Gly497Ala (NM_080679.3); c.1553G>C, p.Gly518Ala (NM_080681.3); c.1811G>C (NM_080680.2); short protein forms G497A, G518A, G604A.
Identifiers: ClinVar variation 2002579 (VCV002002579.3), dbSNP rs758138134, ClinGen allele CA3751199.